The following is an entry in ClinVar:

ClinVar aggregate classification (germline): Uncertain significance (1 of 4 stars; one submission).

Submission:

Labcorp Genetics (formerly Invitae), Labcorp
Classification: Uncertain significance. Last evaluated: 2025-02-25. Review status: criteria provided, single submitter. Criteria: Invitae Variant Classification Sherloc (09022015). Collection method: clinical testing. Allele origin: germline.
Comment: This sequence change falls in intron 44 of the POLE gene. It does not directly change the encoded amino acid sequence of the POLE protein. This variant is not present in population databases (gnomAD no frequency). This variant has not been reported in the literature in individuals affected with POLE-related conditions. Algorithms developed to predict the effect of sequence changes on RNA splicing suggest that this variant may disrupt the consensus splice site. In summary, the available evidence is currently insufficient to determine the role of this variant in disease. Therefore, it has been classified as a Variant of Uncertain Significance.

NM_006231.4(POLE):c.6137-6T>A

Gene: POLE (DNA polymerase epsilon, catalytic subunit; minus strand). Cytogenetic location: 12q24.33.
Variant type: single nucleotide variant.
Coding change: c.6137-6T>A on transcript NM_006231.4 (MANE Select); 6 bases into the intron before coding-DNA position 6137, T replaced by A.
Molecular consequence: intron variant.
Genome position (GRCh38, 1-based): chr12:132,632,514, A>T on the plus strand (T>A on the coding strand, the complement: POLE is on the minus strand). VCF-style: chr12-132632514-A-T. GRCh37 (hg19) VCF-style: chr12-133209100-A-T.
Identifiers: ClinVar variation 4713817 (VCV004713817.1).
Genomic context (GRCh38, chr12:132,632,514, plus strand): 5'-AAGAAGCTCTGAGTGAGCTCATTTGCGACATAATCCTGAGAGAAGGTGATCATTCCTGGA[A>T]GTATAAGGATGCTGAGGGAGGGGTCTGGGACCTGTCTGGCACTGGGGACCTCCCACCTGG-3'